The following is an entry in ClinVar:

ClinVar aggregate classification (germline): Uncertain significance (1 of 4 stars; one submission).

gnomAD v4.1: 1 of 1,614,190 alleles (0.000062%); no homozygotes.

Submission:

Greenwood Genetic Center Diagnostic Laboratories, Greenwood Genetic Center
Classification: Uncertain significance. Last evaluated: 2022-07-26. Review status: criteria provided, single submitter. Criteria: ACMG Guidelines, 2015. Collection method: clinical testing. Allele origin: germline. Affected: yes.
Comment: Gene of Uncertain Significance

NM_001122772.3(AGAP2):c.1357C>T (p.His453Tyr)

Genes: AGAP2 (ArfGAP with GTPase domain, ankyrin repeat and PH domain 2; minus strand), LOC126861542 (CDK7 strongly-dependent group 2 enhancer GRCh37_chr12:58127413-58128612; plus strand). Cytogenetic location: 12q14.1.
Variant type: single nucleotide variant.
Coding change: c.1357C>T on transcript NM_001122772.3 (MANE Select); coding-DNA position 1357, C replaced by T.
Protein change: p.His453Tyr; replaces histidine 453 with tyrosine.
Molecular consequence: missense variant.
Genome position (GRCh38, 1-based): chr12:57,734,363, G>A on the plus strand (C>T on the coding strand, the complement: AGAP2 is on the minus strand). VCF-style: chr12-57734363-G-A. GRCh37 (hg19) VCF-style: chr12-58128146-G-A.
Other names: c.349C>T, p.His117Tyr (NM_014770.4); short protein forms H117Y, H453Y.
Identifiers: ClinVar variation 1710458 (VCV001710458.3), dbSNP rs2540860415, ClinGen allele CA385527780.